The following is an entry in ClinVar:

NM_001069.3(TUBB2A):c.666C>A (p.Tyr222Ter)

Gene: TUBB2A (tubulin beta 2A class IIa; minus strand). Cytogenetic location: 6p25.2.
Variant type: single nucleotide variant.
Coding change: c.666C>A on transcript NM_001069.3 (MANE Select); coding-DNA position 666, C replaced by A.
Protein change: p.Tyr222Ter; replaces tyrosine 222 with a stop codon.
Molecular consequence: nonsense.
Genome position (GRCh38, 1-based): chr6:3,154,535, G>T on the plus strand (C>A on the coding strand, the complement: TUBB2A is on the minus strand). VCF-style: chr6-3154535-G-T. GRCh37 (hg19) VCF-style: chr6-3154769-G-T.
Other names: c.411C>A, p.Tyr137Ter (NM_001310315.2); short protein forms Y137*, Y222*.
Identifiers: ClinVar variation 2505813 (VCV002505813.1), dbSNP rs373188340, ClinGen allele CA362592228.

ClinVar aggregate classification (germline): Uncertain significance (1 of 4 stars; one submission).

Submission:

GeneDx
Classification: Uncertain significance. Last evaluated: 2022-12-19. Review status: criteria provided, single submitter. Criteria: GeneDx Variant Classification Process June 2021. Collection method: clinical testing. Allele origin: germline. Affected: yes.
Comment: Not observed at significant frequency in large population cohorts (gnomAD); Has not been previously published as pathogenic or benign to our knowledge; Nonsense variant predicted to result in protein truncation as the last 224 amino acids are lost